The following is an entry in ClinVar:

NM_032221.5(CHD6):c.2997C>T (p.Ser999=)

Gene: CHD6 (chromodomain helicase DNA binding protein 6; minus strand). Cytogenetic location: 20q12.
Variant type: single nucleotide variant.
Coding change: c.2997C>T on transcript NM_032221.5 (MANE Select); coding-DNA position 2997, C replaced by T.
Protein change: p.Ser999=; no amino-acid change (serine 999 retained).
Molecular consequence: synonymous variant.
Genome position (GRCh38, 1-based): chr20:41,455,812, G>A on the plus strand (C>T on the coding strand, the complement: CHD6 is on the minus strand). VCF-style: chr20-41455812-G-A. GRCh37 (hg19) VCF-style: chr20-40084452-G-A.
Identifiers: ClinVar variation 2652335 (VCV002652335.24), dbSNP rs150157135, ClinGen allele CA9862864.

ClinVar aggregate classification (germline): Likely benign (1 of 4 stars; one submission).

Allele frequency attached by ClinVar (database versions not stated): gnomAD 0.00062; TOPMed 0.00065; ESP Exome Variant Server 0.00069; gnomAD exomes 0.00073; 1000 Genomes Project 0.00080; 1000 Genomes Project 30x 0.00094; ExAC 0.00128.
gnomAD v4.1: 1,187 of 1,587,410 alleles (0.075%); highest among the groups gnomAD compares: Middle Eastern, 0.45%; 8 homozygotes.

Submission:

CeGaT Center for Human Genetics Tuebingen
Classification: Likely benign. Last evaluated: 2023-01-01. Review status: criteria provided, single submitter. Criteria: CeGaT Center For Human Genetics Tuebingen Variant Classification Criteria Version 2. Collection method: clinical testing. Allele origin: germline. Affected: yes. Observed: 1 variant allele.
Comment: CHD6: BP4, BP7